The following is an entry in ClinVar:

ClinVar aggregate classification (germline): Uncertain significance (1 of 4 stars; one submission).

Conditions:
Charcot-Marie-Tooth disease axonal type 2O. Also called: CHARCOT-MARIE-TOOTH NEUROPATHY, AXONAL, TYPE 2O; CHARCOT-MARIE-TOOTH DISEASE, AXONAL, AUTOSOMAL DOMINANT, TYPE 2O; Charcot-Marie-Tooth Neuropathy Type 2O; Charcot-Marie-Tooth disease, axonal, type 20. Identifiers: Orphanet 284232, MedGen C3280220, MONDO:0013644, OMIM 614228.

Submission:

Labcorp Genetics (formerly Invitae), Labcorp
Classification: Uncertain significance for Charcot-Marie-Tooth disease axonal type 2O. Last evaluated: 2024-06-30. Review status: criteria provided, single submitter. Criteria: Invitae Variant Classification Sherloc (09022015). Collection method: clinical testing. Allele origin: germline.
Comment: This sequence change replaces threonine, which is neutral and polar, with alanine, which is neutral and non-polar, at codon 4275 of the DYNC1H1 protein (p.Thr4275Ala). This variant is not present in population databases (gnomAD no frequency). This variant has not been reported in the literature in individuals affected with DYNC1H1-related conditions. Advanced modeling of protein sequence and biophysical properties (such as structural, functional, and spatial information, amino acid conservation, physicochemical variation, residue mobility, and thermodynamic stability) performed at Invitae indicates that this missense variant is not expected to disrupt DYNC1H1 protein function with a negative predictive value of 95%. In summary, the available evidence is currently insufficient to determine the role of this variant in disease. Therefore, it has been classified as a Variant of Uncertain Significance.

NM_001376.5(DYNC1H1):c.12823A>G (p.Thr4275Ala)

Gene: DYNC1H1 (dynein cytoplasmic 1 heavy chain 1; plus strand). Cytogenetic location: 14q32.31.
Variant type: single nucleotide variant.
Coding change: c.12823A>G on transcript NM_001376.5 (MANE Select); coding-DNA position 12823, A replaced by G.
Protein change: p.Thr4275Ala; replaces threonine 4275 with alanine.
Molecular consequence: missense variant.
Genome position (GRCh38, 1-based): chr14:102,044,412, A>G. VCF-style: chr14-102044412-A-G. GRCh37 (hg19) VCF-style: chr14-102510749-A-G.
Other names: short protein forms T4275A.
Identifiers: ClinVar variation 3622899 (VCV003622899.2).